The following is an entry in ClinVar:

NM_015272.5(RPGRIP1L):c.97A>C (p.Thr33Pro)

Gene: RPGRIP1L (RPGRIP1 like; minus strand). Cytogenetic location: 16q12.2.
Variant type: single nucleotide variant.
Coding change: c.97A>C on transcript NM_015272.5 (MANE Select); coding-DNA position 97, A replaced by C.
Protein change: p.Thr33Pro; replaces threonine 33 with proline.
Molecular consequence: missense variant.
Genome position (GRCh38, 1-based): chr16:53,696,284, T>G on the plus strand (A>C on the coding strand, the complement: RPGRIP1L is on the minus strand). VCF-style: chr16-53696284-T-G. GRCh37 (hg19) VCF-style: chr16-53730196-T-G.
Other names: c.97A>C, p.Thr33Pro (NM_001127897.4, NM_001308334.3, NM_001328422.2 and 2 more transcripts); short protein forms T33P.
Identifiers: ClinVar variation 3348729 (VCV003348729.1).

ClinVar aggregate classification (germline): Uncertain significance (0 of 4 stars; one submission).

Conditions:
RPGRIP1L-related disorder. Also called: RPGRIP1L-related condition; RPGRIP1L-related disorders. Identifiers: MedGen CN239416.

Submission:

PreventionGenetics, part of Exact Sciences
Classification: Uncertain significance for RPGRIP1L-related condition. Last evaluated: 2023-12-19. Review status: no assertion criteria provided. Collection method: clinical testing. Allele origin: germline.
Comment: The RPGRIP1L c.97A>C variant is predicted to result in the amino acid substitution p.Thr33Pro. To our knowledge, this variant has not been reported in the literature or in a large population database, indicating this variant is rare. At this time, the clinical significance of this variant is uncertain due to the absence of conclusive functional and genetic evidence.